The following is an entry in ClinVar:

ClinVar aggregate classification (germline): Likely benign. Review status: criteria provided, single submitter (1 of 4 stars). 2 submissions from 2 submitters: Likely benign (1). 1 of the submissions does not count toward it. Last evaluated 2026-07-02.

Conditions:
Inborn genetic diseases. Identifiers: MedGen C0950123, MeSH D030342.

Allele frequency attached by ClinVar (database versions not stated): TOPMed 0.00002; gnomAD exomes 0.00001; gnomAD 0.00002.
gnomAD v4.1: 11 of 1,614,112 alleles (0.00068%); highest among the groups gnomAD compares: African/African-American, 0.0093%; no homozygotes.

Submissions (2):

Ambry Genetics
Classification: Likely benign for Inborn genetic diseases. Last evaluated: 2026-07-02. Review status: criteria provided, single submitter. Criteria: Ambry Variant Classification Scheme 2023. Collection method: clinical testing. Allele origin: germline.

ITMI
No classification provided. Condition: AllHighlyPenetrant. Last evaluated: 2013-09-19. Review status: no classification provided. Collection method: reference population. Allele origin: germline. Not counted in ClinVar's aggregate classification.
Comment: Please see associated publication for description of ethnicities

Literature cited by the submitters: PubMed 24728327 (cited by ITMI).

NM_015338.6(ASXL1):c.3817C>T (p.Arg1273Cys)

Gene: ASXL1 (ASXL transcriptional regulator 1; plus strand). Cytogenetic location: 20q11.21.
Variant type: single nucleotide variant.
Coding change: c.3817C>T on transcript NM_015338.6 (MANE Select); coding-DNA position 3817, C replaced by T.
Protein change: p.Arg1273Cys; replaces arginine 1273 with cysteine.
Molecular consequence: missense variant.
Genome position (GRCh38, 1-based): chr20:32,436,529, C>T. VCF-style: chr20-32436529-C-T. GRCh37 (hg19) VCF-style: chr20-31024332-C-T.
Other names: c.3817C>T (NM_015338.5); c.3634C>T, p.Arg1212Cys (NM_001363734.1); short protein forms R1273C, R1212C.
Identifiers: ClinVar variation 133587 (VCV000133587.2), dbSNP rs587778060, ClinGen allele CA157014.